The following is an entry in ClinVar:

NM_002661.5(PLCG2):c.1173C>A (p.Asp391Glu)

Gene: PLCG2 (phospholipase C gamma 2; plus strand). Cytogenetic location: 16q23.3.
Variant type: single nucleotide variant.
Coding change: c.1173C>A on transcript NM_002661.5 (MANE Select); coding-DNA position 1173, C replaced by A.
Protein change: p.Asp391Glu; replaces aspartic acid 391 with glutamic acid.
Molecular consequence: missense variant.
Genome position (GRCh38, 1-based): chr16:81,895,907, C>A. VCF-style: chr16-81895907-C-A. GRCh37 (hg19) VCF-style: chr16-81929512-C-A.
Other names: short protein forms D391E.
Identifiers: ClinVar variation 1026697 (VCV001026697.8), dbSNP rs772084816, ClinGen allele CA8193625.

ClinVar aggregate classification (germline): Uncertain significance (1 of 4 stars; one submission).

Conditions:
Familial cold autoinflammatory syndrome 3 (FCAS3). Also called: ANTIBODY DEFICIENCY AND IMMUNE DYSREGULATION, PLCG2-ASSOCIATED; FAMILIAL ATYPICAL COLD URTICARIA. Identifiers: Orphanet 300359, MedGen C3280914, MONDO:0013766, OMIM 614468.

Allele frequency attached by ClinVar (database versions not stated): gnomAD exomes below 0.00001; ExAC 0.00001.
gnomAD v4.1: 2 of 1,614,084 alleles (0.00012%); highest among the groups gnomAD compares: South Asian, 0.0022%; no homozygotes.

Submission:

Labcorp Genetics (formerly Invitae), Labcorp
Classification: Uncertain significance for Familial cold autoinflammatory syndrome 3. Last evaluated: 2020-11-05. Review status: criteria provided, single submitter. Criteria: Invitae Variant Classification Sherloc (09022015). Collection method: clinical testing. Allele origin: germline.
Comment: Algorithms developed to predict the effect of missense changes on protein structure and function output the following: SIFT: "Tolerated"; PolyPhen-2: "Benign"; Align-GVGD: "Class C0". The glutamic acid amino acid residue is found in multiple mammalian species, suggesting that this missense change does not adversely affect protein function. These predictions have not been confirmed by published functional studies and their clinical significance is uncertain. In summary, the available evidence is currently insufficient to determine the role of this variant in disease. Therefore, it has been classified as a Variant of Uncertain Significance. This variant has not been reported in the literature in individuals with PLCG2-related conditions. This variant is present in population databases (rs772084816, ExAC 0.006%). This sequence change replaces aspartic acid with glutamic acid at codon 391 of the PLCG2 protein (p.Asp391Glu). The aspartic acid residue is highly conserved and there is a small physicochemical difference between aspartic acid and glutamic acid.